The following is an entry in ClinVar:

NM_001164508.2(NEB):c.21641AAG[1] (p.Glu7215del)

Genes: NEB (nebulin; minus strand), RIF1 (replication timing regulatory factor 1; plus strand). Cytogenetic location: 2q23.3.
Variant type: Microsatellite.
Coding change: c.21641AAG[1] on transcript NM_001164508.2 (MANE Select); one copy of the 3-base unit AAG starting at c.21641; the reference has two copies in a row; one copy, 3 bases deleted.
Protein change: p.Glu7215del; deletes glutamic acid 7215.
Molecular consequence: inframe deletion.
Genome position (GRCh38, 1-based): chr2:151,529,299-151,529,301, CTT deleted on the plus strand (AAG on the coding strand, the reverse complement: NEB is on the minus strand); deleting any 3 consecutive bases within chr2:151,529,299-151,529,304 gives the same sequence; the position shown is the placement nearest the transcript's 3' end. VCF-style (leftmost placement, unchanged base first): chr2-151529298-ACTT-A. GRCh37 (hg19) VCF-style: chr2-152385812-ACTT-A.
Other names: c.21641AAG[1], p.Glu7215del (NM_001164507.2); c.21746AAG[1], p.Glu7250del (NM_001271208.2); c.16538AAG[1], p.Glu5514del (NM_004543.5); short protein forms E5514del, E7215del, E7250del.
Identifiers: ClinVar variation 2898787 (VCV002898787.3), dbSNP rs1301841741, ClinGen allele CA536637655.

ClinVar aggregate classification (germline): Uncertain significance (1 of 4 stars; one submission).

Conditions:
Nemaline myopathy 2 (NEM2). Also called: Nemaline myopathy 2, autosomal recessive. Identifiers: MedGen C1850569, MONDO:0009725, OMIM 256030.

Submission:

Labcorp Genetics (formerly Invitae), Labcorp
Classification: Uncertain significance for Nemaline myopathy 2. Last evaluated: 2023-08-25. Review status: criteria provided, single submitter. Criteria: Invitae Variant Classification Sherloc (09022015). Collection method: clinical testing. Allele origin: germline.
Comment: This variant has not been reported in the literature in individuals affected with NEB-related conditions. This variant, c.21749_21751del, results in the deletion of 1 amino acid(s) of the NEB protein (p.Glu7250del), but otherwise preserves the integrity of the reading frame. This variant is present in population databases (no rsID available, gnomAD 0.003%). In summary, the available evidence is currently insufficient to determine the role of this variant in disease. Therefore, it has been classified as a Variant of Uncertain Significance.